The following is an entry in ClinVar:

NM_025114.4(CEP290):c.2258C>A (p.Ser753Ter)

Gene: CEP290 (centrosomal protein 290; minus strand). Cytogenetic location: 12q21.32.
Variant type: single nucleotide variant.
Coding change: c.2258C>A on transcript NM_025114.4 (MANE Select); coding-DNA position 2258, C replaced by A.
Protein change: p.Ser753Ter; replaces serine 753 with a stop codon.
Molecular consequence: nonsense.
Genome position (GRCh38, 1-based): chr12:88,111,311, G>T on the plus strand (C>A on the coding strand, the complement: CEP290 is on the minus strand). VCF-style: chr12-88111311-G-T. GRCh37 (hg19) VCF-style: chr12-88505088-G-T.
Other names: short protein forms S753*.
Identifiers: ClinVar variation 2921427 (VCV002921427.6), dbSNP rs2500744133, ClinGen allele CA385974663.

ClinVar aggregate classification (germline): Pathogenic/Likely pathogenic. Review status: criteria provided, multiple submitters, no conflicts (2 of 4 stars). 3 submissions from 3 submitters: Pathogenic (2); Likely pathogenic (1). Last evaluated 2026-07-09.

Conditions:
Meckel-Gruber syndrome. Also called: DYSENCEPHALIA SPLANCHNOCYSTICA; GRUBER SYNDROME; Dysencephalia splachnocystica. Identifiers: Orphanet 564, MedGen C0265215, MONDO:0018921.
Joubert syndrome. Also called: JOUBERT-BOLTSHAUSER SYNDROME; Familial aplasia of the vermis. Identifiers: Orphanet 475, MedGen C5979921, MONDO:0018772.
Nephronophthisis. Also called: Juvenile Nephronophthisis. Identifiers: Orphanet 655, MedGen C0687120, MONDO:0019005, HP:0000090.
CEP290-related ciliopathy. Also called: CEP290 ciliopathy. Identifiers: MedGen CN305601, MONDO:0100451.
Meckel syndrome, type 4 (MKS4). Also called: MECKEL-GRUBER SYNDROME, TYPE 4. Identifiers: Orphanet 564, MedGen C1970161, MONDO:0012626, OMIM 611134.
Senior-Loken syndrome 6 (SLSN6). Identifiers: Orphanet 3156, MedGen C1857779, MONDO:0012433, OMIM 610189.
Bardet-Biedl syndrome 14 (BBS14). Identifiers: Orphanet 110, MedGen C2673874, MONDO:0014442, OMIM 615991.
Leber congenital amaurosis 10 (LCA10). Identifiers: Orphanet 65, MedGen C1857821, MONDO:0012723, OMIM 611755.
Joubert syndrome 5 (JBTS5). Identifiers: Orphanet 2318, MedGen C1857780, MONDO:0012432, OMIM 610188.

Submissions (3):

Myriad Genetics, Inc.
Classification: Pathogenic for CEP290-related ciliopathy. Last evaluated: 2026-07-09. Review status: criteria provided, single submitter. Criteria: Myriad Autosomal Dominant, Autosomal Recessive and X-Linked Classification Criteria (2023). Collection method: clinical testing. Allele origin: unknown.
Comment: NM_025114.3(CEP290):c.2258C>A(S753*) is expected to be pathogenic in the context of CEP290-related disorders. This variant is predicted to lead to an abnormal or absent protein product due to the creation of a premature termination codon in CEP290, a gene where loss-of-function variants are known to be pathogenic. Please note: this variant was assessed in the context of healthy population screening.

Labcorp Genetics (formerly Invitae), Labcorp
Classification: Pathogenic for Joubert syndrome; Meckel-Gruber syndrome; Nephronophthisis. Last evaluated: 2023-12-14. Review status: criteria provided, single submitter. Criteria: Invitae Variant Classification Sherloc (09022015). Collection method: clinical testing. Allele origin: germline.
Comment: This sequence change creates a premature translational stop signal (p.Ser753*) in the CEP290 gene. It is expected to result in an absent or disrupted protein product. Loss-of-function variants in CEP290 are known to be pathogenic (PMID: 16909394, 17345604, 20690115). This variant is not present in population databases (gnomAD no frequency). This variant has not been reported in the literature in individuals affected with CEP290-related conditions. For these reasons, this variant has been classified as Pathogenic.

Juno Genomics, Hangzhou Juno Genomics, Inc
Classification: Likely pathogenic for Bardet-Biedl syndrome 14; Joubert syndrome 5; Leber congenital amaurosis 10; Meckel syndrome, type 4; Senior-Loken syndrome 6. Review status: criteria provided, single submitter. Criteria: ACMG Guidelines, 2015. Collection method: clinical testing. Allele origin: germline. Affected: yes.
Comment: Absent from controls (or at extremely low frequency if recessive) in Genome Aggregation Database, Exome Sequencing Project, 1000 Genomes Project, or Exome Aggregation Consortium.;Null variant in a gene where loss of function (LOF) is a known mechanism of disease.

Literature cited by the submitters: PubMed 16909394 (cited by Labcorp Genetics (formerly Invitae), Labcorp); PubMed 17345604 (cited by Labcorp Genetics (formerly Invitae), Labcorp); PubMed 20690115 (cited by Labcorp Genetics (formerly Invitae), Labcorp).